The following is an entry in ClinVar:

ClinVar aggregate classification (germline): Pathogenic (1 of 4 stars; one submission).

Submission:

Labcorp Genetics (formerly Invitae), Labcorp
Classification: Pathogenic. Last evaluated: 2023-08-15. Review status: criteria provided, single submitter. Criteria: Invitae Variant Classification Sherloc (09022015). Collection method: clinical testing. Allele origin: germline.
Comment: This sequence change creates a premature translational stop signal (p.Pro477Glnfs*176) in the COL4A4 gene. It is expected to result in an absent or disrupted protein product. Loss-of-function variants in COL4A4 are known to be pathogenic (PMID: 21196518, 24854265, 25307543). This variant is not present in population databases (gnomAD no frequency). This variant has not been reported in the literature in individuals affected with COL4A4-related conditions. For these reasons, this variant has been classified as Pathogenic.

Literature cited by the submitters: PubMed 21196518; PubMed 24854265; PubMed 25307543.

NM_000092.5(COL4A4):c.1430del (p.Pro477fs)

Gene: COL4A4 (collagen type IV alpha 4 chain; minus strand). Cytogenetic location: 2q36.3.
Variant type: Deletion.
Coding change: c.1430del on transcript NM_000092.5 (MANE Select); coding-DNA position 1430, one base deleted (C; older notation c.1430delC).
Protein change: p.Pro477fs; shifts the reading frame from proline 477.
Molecular consequence: frameshift variant.
Genome position (GRCh38, 1-based): chr2:227,089,897, G deleted on the plus strand (C on the coding strand, the reverse complement: COL4A4 is on the minus strand); the first of 5 consecutive G bases (chr2:227,089,897-227,089,901); deleting any one gives the same sequence. VCF-style (leftmost placement, unchanged base first): chr2-227089896-TG-T. GRCh37 (hg19) VCF-style: chr2-227954612-TG-T.
Other names: short protein forms P477fs.
Identifiers: ClinVar variation 2752627 (VCV002752627.3), dbSNP rs2475083643, ClinGen allele CA2663409797.